The following is an entry in ClinVar:

ClinVar aggregate classification (germline): Uncertain significance. Review status: criteria provided, multiple submitters, no conflicts (2 of 4 stars). 2 submissions from 2 submitters: Uncertain significance (2). Last evaluated 2025-10-01.

Submissions (2):

Labcorp Genetics (formerly Invitae), Labcorp
Classification: Uncertain significance. Last evaluated: 2025-10-01. Review status: criteria provided, single submitter. Criteria: Invitae Variant Classification Sherloc (09022015). Collection method: clinical testing. Allele origin: germline.
Comment: This variant, c.11896_11913dup, results in the insertion of 6 amino acid(s) of the ANK3 protein (p.Ala3966_Thr3971dup), but otherwise preserves the integrity of the reading frame. The frequency data for this variant in the population databases is considered unreliable, as metrics indicate poor data quality at this position in the gnomAD database. This variant has not been reported in the literature in individuals affected with ANK3-related conditions. ClinVar contains an entry for this variant (Variation ID: 1390042). Experimental studies and prediction algorithms are not available or were not evaluated, and the functional significance of this variant is currently unknown. In summary, the available evidence is currently insufficient to determine the role of this variant in disease. Therefore, it has been classified as a Variant of Uncertain Significance.

Breakthrough Genomics
Classification: Uncertain significance. Review status: criteria provided, single submitter. Criteria: ACMG Guidelines, 2015. Collection method: not provided. Allele origin: germline. Inheritance: Autosomal recessive inheritance. Affected: yes.

NM_020987.5(ANK3):c.11896_11913dup (p.Ala3966_Thr3971dup)

Gene: ANK3 (ankyrin 3; minus strand). Cytogenetic location: 10q21.2.
Variant type: Duplication.
Coding change: c.11896_11913dup on transcript NM_020987.5 (MANE Select); coding-DNA positions 11896 to 11913, 18 bases duplicated (GCCACCACCACCACCACT).
Protein change: p.Ala3966_Thr3971dup.
Molecular consequence: inframe insertion. On other transcripts: intron variant (4).
Genome position (GRCh38, 1-based): chr10:60,068,968-60,068,985, AGTGGTGGTGGTGGTGGC duplicated on the plus strand (GCCACCACCACCACCACT on the coding strand, the reverse complement: ANK3 is on the minus strand); duplicating any 18 consecutive bases within chr10:60,068,968-60,069,000 gives the same sequence; the c. name uses the placement nearest the transcript's 3' end. VCF-style (leftmost placement, unchanged base first): chr10-60068967-T-TAGTGGTGGTGGTGGTGGC. GRCh37 (hg19) VCF-style: chr10-61828725-T-TAGTGGTGGTGGTGGTGGC.
Other names: c.4388-976_4388-959dup (NM_001204403.2); c.4409-976_4409-959dup (NM_001204404.2); c.4406-976_4406-959dup (NM_001320874.2); c.1808-976_1808-959dup (NM_001149.4).
Identifiers: ClinVar variation 1390042 (VCV001390042.10), dbSNP rs754855737, ClinGen allele CA5511010.